The following is an entry in ClinVar:

ClinVar aggregate classification (germline): Uncertain significance (1 of 4 stars; one submission).

Conditions:
Epidermolysis bullosa simplex with nail dystrophy (EBS5D). Identifiers: MedGen C4225309, MONDO:0014661, OMIM 616487.
Epidermolysis bullosa simplex, Ogna type (EBS5A). Also called: Pidermolysis bullosa simplex 5A, Ogna type; EPIDERMOLYSIS BULLOSA SIMPLEX 5A, OGNA TYPE. Identifiers: Orphanet 79401, MedGen C0432317, MONDO:0007555, OMIM 131950.
Epidermolysis bullosa simplex 5B, with muscular dystrophy (EBS5B). Also called: Epidermolysis bullosa simplex with muscular dystrophy; EPIDERMOLYSIS BULLOSA SIMPLEX AND LIMB-GIRDLE MUSCULAR DYSTROPHY. Identifiers: Orphanet 257, MedGen C2931072, MONDO:0009181, OMIM 226670.
Autosomal recessive limb-girdle muscular dystrophy type 2Q (LGMDR17). Also called: MUSCULAR DYSTROPHY, LIMB-GIRDLE, AUTOSOMAL RECESSIVE 17. Identifiers: Orphanet 254361, MedGen C3150989, MONDO:0013390, OMIM 613723.
Epidermolysis bullosa simplex 5C, with pyloric atresia (EBS5C). Also called: PLEC-Related Epidermolysis Bullosa with Pyloric Atresia; Epidermolysis bullosa simplex with pyloric atresia; PLEC1-Related Epidermolysis Bullosa with Pyloric Atresia. Identifiers: Orphanet 158684, MedGen C2677349, MONDO:0012807, OMIM 612138.

gnomAD v4.1: 32 of 1,612,582 alleles (0.002%); highest among the groups gnomAD compares: South Asian, 0.0088%; no homozygotes.

Submission:

Labcorp Genetics (formerly Invitae), Labcorp
Classification: Uncertain significance for Autosomal recessive limb-girdle muscular dystrophy type 2Q; Epidermolysis bullosa simplex, Ogna type; Epidermolysis bullosa simplex with nail dystrophy; Epidermolysis bullosa simplex 5C, with pyloric atresia; Epidermolysis bullosa simplex 5B, with muscular dystrophy. Last evaluated: 2025-08-29. Review status: criteria provided, single submitter. Criteria: Invitae Variant Classification Sherloc (09022015). Collection method: clinical testing. Allele origin: germline.
Comment: This sequence change replaces arginine, which is basic and polar, with histidine, which is basic and polar, at codon 2722 of the PLEC protein (p.Arg2722His). This variant is present in population databases (rs782339067, gnomAD 0.02%). This variant has not been reported in the literature in individuals affected with PLEC-related conditions. An algorithm developed to predict the effect of missense changes on protein structure and function outputs the following: PolyPhen-2: "Benign". The histidine amino acid residue is found in multiple mammalian species, which suggests that this missense change does not adversely affect protein function. In summary, the available evidence is currently insufficient to determine the role of this variant in disease. Therefore, it has been classified as a Variant of Uncertain Significance.

NM_201384.3(PLEC):c.8084G>A (p.Arg2695His)

Gene: PLEC (plectin; minus strand). Cytogenetic location: 8q24.3.
Variant type: single nucleotide variant.
Coding change: c.8084G>A on transcript NM_201384.3 (MANE Select); coding-DNA position 8084, G replaced by A.
Protein change: p.Arg2695His; replaces arginine 2695 with histidine.
Molecular consequence: missense variant.
Genome position (GRCh38, 1-based): chr8:143,921,737, C>T on the plus strand (G>A on the coding strand, the complement: PLEC is on the minus strand). VCF-style: chr8-143921737-C-T. GRCh37 (hg19) VCF-style: chr8-144995905-C-T.
Other names: c.8165G>A, p.Arg2722His (NM_000445.5); c.4784G>A, p.Arg1595His (NM_001410941.1); c.8042G>A, p.Arg2681His (NM_201378.4); c.8018G>A, p.Arg2673His (NM_201379.3); c.8495G>A, p.Arg2832His (NM_201380.4); c.7988G>A, p.Arg2663His (NM_201381.3); c.8084G>A, p.Arg2695His (NM_201382.4); c.8096G>A, p.Arg2699His (NM_201383.3); short protein forms R2695H, R1595H, R2663H, R2699H, R2673H, R2832H, R2681H, R2722H.
Identifiers: ClinVar variation 4783082 (VCV004783082.1).